The following is an entry in ClinVar:

ClinVar aggregate classification (germline): Uncertain significance (1 of 4 stars; one submission).

gnomAD v4.1: 45 of 1,208,015 alleles (0.0037%); highest among the groups gnomAD compares: Admixed American, 0.033%; no homozygotes.

Submission:

Labcorp Genetics (formerly Invitae), Labcorp
Classification: Uncertain significance. Last evaluated: 2024-12-17. Review status: criteria provided, single submitter. Criteria: Invitae Variant Classification Sherloc (09022015). Collection method: clinical testing. Allele origin: germline.
Comment: This sequence change replaces arginine, which is basic and polar, with histidine, which is basic and polar, at codon 84 of the HSD17B10 protein (p.Arg84His). This variant is present in population databases (rs782818492, gnomAD 0.03%). This variant has not been reported in the literature in individuals affected with HSD17B10-related conditions. Invitae Evidence Modeling of protein sequence and biophysical properties (such as structural, functional, and spatial information, amino acid conservation, physicochemical variation, residue mobility, and thermodynamic stability) indicates that this missense variant is not expected to disrupt HSD17B10 protein function with a negative predictive value of 80%. In summary, the available evidence is currently insufficient to determine the role of this variant in disease. Therefore, it has been classified as a Variant of Uncertain Significance.

NM_004493.3(HSD17B10):c.251G>A (p.Arg84His)

Gene: HSD17B10 (hydroxysteroid 17-beta dehydrogenase 10; minus strand). Cytogenetic location: Xp11.22.
Variant type: single nucleotide variant.
Coding change: c.251G>A on transcript NM_004493.3 (MANE Select); coding-DNA position 251, G replaced by A.
Protein change: p.Arg84His; replaces arginine 84 with histidine.
Molecular consequence: missense variant.
Genome position (GRCh38, 1-based): chrX:53,432,353, C>T on the plus strand (G>A on the coding strand, the complement: HSD17B10 is on the minus strand). VCF-style: chrX-53432353-C-T. GRCh37 (hg19) VCF-style: chrX-53459301-C-T.
Other names: c.251G>A, p.Arg84His (NM_001037811.2); short protein forms R84H.
Identifiers: ClinVar variation 3642565 (VCV003642565.2).